The following is an entry in ClinVar:

NM_001130987.2(DYSF):c.4918C>T (p.Pro1640Ser)

Gene: DYSF (dysferlin; plus strand). Cytogenetic location: 2p13.2.
Variant type: single nucleotide variant.
Coding change: c.4918C>T on transcript NM_001130987.2 (MANE Select); coding-DNA position 4918, C replaced by T.
Protein change: p.Pro1640Ser; replaces proline 1640 with serine.
Molecular consequence: missense variant.
Genome position (GRCh38, 1-based): chr2:71,660,566, C>T. VCF-style: chr2-71660566-C-T. GRCh37 (hg19) VCF-style: chr2-71887696-C-T.
Other names: c.4804C>T, p.Pro1602Ser (NM_001130455.2); c.4759C>T, p.Pro1587Ser (NM_001130976.2); c.4822C>T, p.Pro1608Ser (NM_001130977.2); c.4864C>T, p.Pro1622Ser (NM_001130978.2); c.4894C>T, p.Pro1632Ser (NM_001130979.2); c.4852C>T, p.Pro1618Ser (NM_001130980.2); c.4915C>T, p.Pro1639Ser (NM_001130981.2); c.4897C>T, p.Pro1633Ser (NM_001130982.2); and 5 more; short protein forms P1619S, P1622S, P1639S, P1588S, P1623S, P1632S, P1601S, P1602S.
Identifiers: ClinVar variation 2142185 (VCV002142185.1), dbSNP rs766817696, ClinGen allele CA49765580.

ClinVar aggregate classification (germline): Uncertain significance (1 of 4 stars; one submission).

Conditions:
Neuromuscular disease caused by qualitative or quantitative defects of dysferlin. Also called: Qualitative or quantitative defects of dysferlin; Dysferlinopathy. Identifiers: Orphanet 207073, MedGen C2931687, MONDO:0016145.

Allele frequency attached by ClinVar (database versions not stated): gnomAD exomes below 0.00001.
gnomAD v4.1: 1 of 1,613,872 alleles (0.000062%); highest among the groups gnomAD compares: Admixed American, 0.0017%; no homozygotes.

Submission:

Labcorp Genetics (formerly Invitae), Labcorp
Classification: Uncertain significance for Neuromuscular disease caused by qualitative or quantitative defects of dysferlin. Last evaluated: 2022-04-12. Review status: criteria provided, single submitter. Criteria: Invitae Variant Classification Sherloc (09022015). Collection method: clinical testing. Allele origin: germline.
Comment: This sequence change replaces proline, which is neutral and non-polar, with serine, which is neutral and polar, at codon 1601 of the DYSF protein (p.Pro1601Ser). This variant is not present in population databases (gnomAD no frequency). This variant has not been reported in the literature in individuals affected with DYSF-related conditions. Advanced modeling of protein sequence and biophysical properties (such as structural, functional, and spatial information, amino acid conservation, physicochemical variation, residue mobility, and thermodynamic stability) performed at Invitae indicates that this missense variant is expected to disrupt DYSF protein function. In summary, the available evidence is currently insufficient to determine the role of this variant in disease. Therefore, it has been classified as a Variant of Uncertain Significance.